The following is an entry in ClinVar:

NM_001165963.4(SCN1A):c.3400A>G (p.Ser1134Gly)

Genes: SCN1A (sodium voltage-gated channel alpha subunit 1; minus strand), LOC102724058 (uncharacterized LOC102724058; plus strand). Cytogenetic location: 2q24.3.
Variant type: single nucleotide variant.
Coding change: c.3400A>G on transcript NM_001165963.4 (MANE Select); coding-DNA position 3400, A replaced by G.
Protein change: p.Ser1134Gly; replaces serine 1134 with glycine.
Molecular consequence: missense variant. On other transcripts: non-coding transcript variant (2).
Genome position (GRCh38, 1-based): chr2:166,036,077, T>C on the plus strand (A>G on the coding strand, the complement: SCN1A is on the minus strand). VCF-style: chr2-166036077-T-C. GRCh37 (hg19) VCF-style: chr2-166892587-T-C.
Other names: c.3316A>G, p.Ser1106Gly (NM_001165964.3, NM_001353957.2, NM_001353958.2); c.3400A>G, p.Ser1134Gly (NM_001202435.3, NM_001353948.2); c.3367A>G, p.Ser1123Gly (NM_001353949.2, NM_001353950.2, NM_001353951.2 and 2 more transcripts); c.3364A>G, p.Ser1122Gly (NM_001353954.2, NM_001353955.2); c.3313A>G, p.Ser1105Gly (NM_001353960.2); c.958A>G, p.Ser320Gly (NM_001353961.2); short protein forms S1105G, S1106G, S1122G, S1123G, S1134G, S320G.
Identifiers: ClinVar variation 3364144 (VCV003364144.1).

ClinVar aggregate classification (germline): Uncertain significance (1 of 4 stars; one submission).

gnomAD v4.1: 2 of 1,613,826 alleles (0.00012%); highest among the groups gnomAD compares: Non-Finnish European, 0.00017%; no homozygotes.

Submission:

GeneDx
Classification: Uncertain significance. Last evaluated: 2023-11-13. Review status: criteria provided, single submitter. Criteria: GeneDx Variant Classification Process June 2021. Collection method: clinical testing. Allele origin: germline. Affected: yes.
Comment: Not observed at significant frequency in large population cohorts (gnomAD); Missense variants in this gene are a common cause of disease and they are underrepresented in the general population; In silico analysis supports that this missense variant has a deleterious effect on protein structure/function; Has not been previously published as pathogenic or benign to our knowledge; This substitution is predicted to be within the cytoplasmic loop between the second and third homologous domains